The following is an entry in ClinVar:

ClinVar aggregate classification (germline): Uncertain significance. Review status: criteria provided, multiple submitters, no conflicts (2 of 4 stars). 3 submissions from 3 submitters: Uncertain significance (3). Last evaluated 2026-07-30.

Conditions:
Inborn genetic diseases. Identifiers: MedGen C0950123, MeSH D030342.

Allele frequency attached by ClinVar (database versions not stated): ExAC 0.00001; TOPMed 0.00002; gnomAD 0.00005; ESP Exome Variant Server 0.00008; gnomAD exomes 0.00002 and 0.00005.
gnomAD v4.1: 84 of 1,613,722 alleles (0.0052%); highest among the groups gnomAD compares: Non-Finnish European, 0.0066%; no homozygotes.

Submissions (3):

GeneDx
Classification: Uncertain significance. Last evaluated: 2026-07-30. Review status: criteria provided, single submitter. Criteria: GeneDx Variant Classification Process June 2021. Collection method: clinical testing. Allele origin: germline.
Comment: In silico analysis suggests that this missense variant does not alter protein structure/function; Has not been previously published as pathogenic or benign to our knowledge

Ambry Genetics
Classification: Uncertain significance for Inborn genetic diseases. Last evaluated: 2025-09-10. Review status: criteria provided, single submitter. Criteria: Ambry Variant Classification Scheme 2023. Collection method: clinical testing. Allele origin: germline.

Labcorp Genetics (formerly Invitae), Labcorp
Classification: Uncertain significance. Last evaluated: 2025-07-13. Review status: criteria provided, single submitter. Criteria: Invitae Variant Classification Sherloc (09022015). Collection method: clinical testing. Allele origin: germline.
Comment: This sequence change replaces alanine, which is neutral and non-polar, with threonine, which is neutral and polar, at codon 551 of the DNM1L protein (p.Ala551Thr). This variant is present in population databases (rs151232689, gnomAD 0.006%). This variant has not been reported in the literature in individuals affected with DNM1L-related conditions. ClinVar contains an entry for this variant (Variation ID: 214316). An algorithm developed to predict the effect of missense changes on protein structure and function (PolyPhen-2) suggests that this variant is likely to be tolerated. In summary, the available evidence is currently insufficient to determine the role of this variant in disease. Therefore, it has been classified as a Variant of Uncertain Significance.

NM_012062.5(DNM1L):c.1651G>A (p.Ala551Thr)

Gene: DNM1L (dynamin 1L; plus strand). Cytogenetic location: 12p11.21.
Variant type: single nucleotide variant.
Coding change: c.1651G>A on transcript NM_012062.5 (MANE Select); coding-DNA position 1651, G replaced by A.
Protein change: p.Ala551Thr; replaces alanine 551 with threonine.
Molecular consequence: missense variant. On other transcripts: intron variant (3).
Genome position (GRCh38, 1-based): chr12:32,737,919, G>A. VCF-style: chr12-32737919-G-A. GRCh37 (hg19) VCF-style: chr12-32890853-G-A.
Other names: p.A551T:GCT>ACT; c.1651G>A, p.Ala551Thr (NM_001278463.2); c.1690G>A, p.Ala564Thr (NM_001278464.2, NM_001278465.2); c.1042G>A, p.Ala348Thr (NM_001278466.2); c.1635+758G>A (NM_001330380.2); c.1597-345G>A (NM_012063.4); c.1596+758G>A (NM_005690.5); short protein forms A551T, A348T, A564T.
Identifiers: ClinVar variation 214316 (VCV000214316.9), dbSNP rs151232689, ClinGen allele CA324992.